The following is an entry in ClinVar:

NM_004260.4(RECQL4):c.3533G>C (p.Gly1178Ala)

Gene: RECQL4 (RecQ like helicase 4; minus strand). Cytogenetic location: 8q24.3.
Variant type: single nucleotide variant.
Coding change: c.3533G>C on transcript NM_004260.4 (MANE Select); coding-DNA position 3533, G replaced by C.
Protein change: p.Gly1178Ala; replaces glycine 1178 with alanine.
Molecular consequence: missense variant. On other transcripts: non-coding transcript variant (3).
Genome position (GRCh38, 1-based): chr8:144,511,525, C>G on the plus strand (G>C on the coding strand, the complement: RECQL4 is on the minus strand). VCF-style: chr8-144511525-C-G. GRCh37 (hg19) VCF-style: chr8-145736908-C-G.
Other names: c.3239G>C, p.Gly1080Ala (NM_001413017.1); c.3335G>C, p.Gly1112Ala (NM_001413018.1); c.3608G>C, p.Gly1203Ala (NM_001413019.1); c.3437G>C, p.Gly1146Ala (NM_001413020.1); c.2462G>C, p.Gly821Ala (NM_001413021.1, NM_001413022.1, NM_001413024.1 and 4 more transcripts); c.2537G>C, p.Gly846Ala (NM_001413023.1); c.3404G>C, p.Gly1135Ala (NM_001413025.1); c.2396G>C, p.Gly799Ala (NM_001413027.1, NM_001413030.1, NM_001413032.1); and 9 more; short protein forms G1112A, G1168A, G1181A, G821A, G1061A, G1134A, G1146A, G755A.
Identifiers: ClinVar variation 2887276 (VCV002887276.3), dbSNP rs1827189895, ClinGen allele CA372666030.

ClinVar aggregate classification (germline): Uncertain significance (1 of 4 stars; one submission).

Conditions:
Baller-Gerold syndrome (BGS). Also called: CRANIOSYNOSTOSIS WITH RADIAL DEFECTS. Identifiers: Orphanet 1225, MedGen C0265308, MONDO:0009039, OMIM 218600.

gnomAD v4.1: 1 of 1,612,576 alleles (0.000062%); highest among the groups gnomAD compares: Non-Finnish European, 0.000085%; no homozygotes.

Submission:

Labcorp Genetics (formerly Invitae), Labcorp
Classification: Uncertain significance for Baller-Gerold syndrome. Last evaluated: 2023-11-25. Review status: criteria provided, single submitter. Criteria: Invitae Variant Classification Sherloc (09022015). Collection method: clinical testing. Allele origin: germline.
Comment: This sequence change replaces glycine, which is neutral and non-polar, with alanine, which is neutral and non-polar, at codon 1178 of the RECQL4 protein (p.Gly1178Ala). This variant is not present in population databases (gnomAD no frequency). This variant has not been reported in the literature in individuals affected with RECQL4-related conditions. Advanced modeling of protein sequence and biophysical properties (such as structural, functional, and spatial information, amino acid conservation, physicochemical variation, residue mobility, and thermodynamic stability) performed at Invitae indicates that this missense variant is expected to disrupt RECQL4 protein function with a positive predictive value of 80%. In summary, the available evidence is currently insufficient to determine the role of this variant in disease. Therefore, it has been classified as a Variant of Uncertain Significance.